The following is an entry in ClinVar:

NC_012920.1(MT-ND1):m.3481G>A

Gene: MT-ND1 (mitochondrially encoded NADH dehydrogenase 1; plus strand).
Variant type: single nucleotide variant.
Genome position: chrM-3481-G-A.
Identifiers: ClinVar variation 155880 (VCV000155880.7), dbSNP rs587776433, ClinGen allele CA345910.

ClinVar aggregate classification (germline): Uncertain significance. Review status: reviewed by expert panel (3 of 4 stars). 4 submissions from 3 submitters: Uncertain significance (1). 3 of the submissions do not count toward it. Last evaluated 2023-09-26.

Conditions:
Mitochondrial disease. Also called: Mitochondrial disorder; Mitochondrial disorders. Identifiers: Orphanet 68380, MedGen C0751651, MeSH D028361, MONDO:0044970.
MELAS syndrome (MELAS). Also called: Juvenile myopathy, encephalopathy, lactic acidosis, stroke. Identifiers: Orphanet 550, MedGen C0162671, MONDO:0010789, OMIM 540000.
Leigh syndrome (NULS). Also called: Leigh's necrotizing encephalopathy; Leigh's disease; Leigh Disease; Subacute necrotizing encephalopathy; Necrotizing encephalopathy infantile subacute of Leigh; LEIGH SYNDROME, NUCLEAR. Identifiers: Orphanet 506, MedGen C2931891, MONDO:0009723, OMIM 256000.

Submissions (4):

ClinGen Mitochondrial Disease Nuclear and Mitochondrial  Variant Curation Expert Panel, ClinGen
Classification: Uncertain significance for Mitochondrial disease. Last evaluated: 2023-09-26. Review status: reviewed by expert panel. Criteria: clingen mito disease acmg specifications v1-1. Collection method: curation. Allele origin: germline. Inheritance: Mitochondrial inheritance.
Comment: The m.3481G>A (p.E59K) variant in MT-ND1 has been reported in at least two unrelated individuals. Heteroplasmy ranged from 50%-80% (PMID:17535832). Heteroplasmy ranged from 12%-61% (PMID: 18504678). Both individuals had elevated lactate and abnormalities on brain MRI. This variant may have been observed in a third individual with mitochondrial epilepsy; however the full text was unavailable for review (PMID:31665838). Haplogroup information was not reported for all cases precluding consideration for PS4. In the family of the proband with MELAS, the proband exhibited heteroplasmy levels ranging from 50-80% (lymphocytes: 55%). However, unaffected or less severely affected maternal relatives, including the mother, maternal aunt, and maternal cousin (who reported migraines), displayed lower heteroplasmy levels ranging from 15-20% in lymphocytes (PP1, PMID: 17535832). In the other case, the variant was absent in mother’s blood (PMID: 18504678), however the proband's blood was not tested. Complex I deficiency was demonstrated in both probands, however nuclear causes of disease were not excluded (PMIDs: 17535832, 18504678). Cybrid studies demonstrated a strong inverse correlation between heteroplasmy level and Complex I activity (PS3_supporting, PMID: 17535832). The computational predictors APOGEE1 and APOGEE2 give a consensus rating of pathogenic with raw scores of 0.69 and 0.754, respectively (Min=0, Max=1), which predict a damaging effect on gene function (PP3). This variant is absent in the GenBank dataset, Helix dataset, and gnomAD v3.1.2 (PM2_supporting). In summary, this variant meets criteria to be classified as uncertain significance for primary mitochondrial disease. This classification was approved by the NICHD/NINDS U24 ClinGen Mitochondrial Disease Variant Curation Expert Panel on September 26, 2023. Mitochondrial DNA-specific ACMG/AMP criteria applied (PMID: 32906214): PP1, PS3_supporting, PM2_supporting, PP3.

Wong Mito Lab, Molecular and Human Genetics, Baylor College of Medicine
Classification: Pathogenic for MELAS syndrome. Last evaluated: 2019-10-17. Review status: criteria provided, single submitter. Criteria: Modified ACMG Guidelines (Unpublished). Collection method: clinical testing. Allele origin: germline. Not counted in ClinVar's aggregate classification.
Comment: The NC_012920.1:m.3481G>A (YP_003024026.1:p.Glu59Lys) variant in MTND1 gene is interpretated to be a Pathogenic variant based on the modified ACMG guidelines (unpublished). This variant meets the following evidence codes: PS3, PM8, PM9, PP4, PP6

GeneReviews
No classification provided. Condition: Leigh syndrome. Review status: no classification provided. Collection method: literature only. Allele origin: germline. Not counted in ClinVar's aggregate classification.

GeneReviews
No classification provided. Condition: MELAS syndrome. Review status: no classification provided. Collection method: literature only. Allele origin: maternal. Not counted in ClinVar's aggregate classification.

Literature cited by the submitters: PubMed 17535832 (cited by Wong Mito Lab, Molecular and Human Genetics, Baylor College of Medicine and GeneReviews); PubMed 18504678 (cited by Wong Mito Lab, Molecular and Human Genetics, Baylor College of Medicine); PubMed 18977334 (cited by Wong Mito Lab, Molecular and Human Genetics, Baylor College of Medicine); NCBI Bookshelf NBK1173 (cited by GeneReviews).